The following is an entry in ClinVar:

NM_001458.5(FLNC):c.3996G>T (p.Glu1332Asp)

Gene: FLNC (filamin C; plus strand). Cytogenetic location: 7q32.1.
Variant type: single nucleotide variant.
Coding change: c.3996G>T on transcript NM_001458.5 (MANE Select); coding-DNA position 3996, G replaced by T.
Protein change: p.Glu1332Asp; replaces glutamic acid 1332 with aspartic acid.
Molecular consequence: missense variant.
Genome position (GRCh38, 1-based): chr7:128,846,332, G>T. VCF-style: chr7-128846332-G-T. GRCh37 (hg19) VCF-style: chr7-128486386-G-T.
Other names: c.3996G>T, p.Glu1332Asp (NM_001127487.2); short protein forms E1332D.
Identifiers: ClinVar variation 2951298 (VCV002951298.3), dbSNP rs2536641908, ClinGen allele CA369198906.

ClinVar aggregate classification (germline): Uncertain significance (1 of 4 stars; one submission).

Conditions:
Myofibrillar myopathy 5. Also called: Filaminopathy (type); FILAMINOPATHY, AUTOSOMAL DOMINANT. Identifiers: Orphanet 171445, MedGen C1836050, MONDO:0012289, OMIM 609524.
Distal myopathy with posterior leg and anterior hand involvement. Also called: WILLIAMS DISTAL MYOPATHY. Identifiers: Orphanet 63273, MedGen C3279722, MONDO:0013550, OMIM 614065.
Hypertrophic cardiomyopathy 26. Also called: Cardiomyopathy, familial hypertrophic, 26. Identifiers: Orphanet 75249, MedGen C4310749, MONDO:0014883, OMIM 617047.

Submission:

Labcorp Genetics (formerly Invitae), Labcorp
Classification: Uncertain significance for Distal myopathy with posterior leg and anterior hand involvement; Myofibrillar myopathy 5; Hypertrophic cardiomyopathy 26. Last evaluated: 2023-08-27. Review status: criteria provided, single submitter. Criteria: Invitae Variant Classification Sherloc (09022015). Collection method: clinical testing. Allele origin: germline.
Comment: Algorithms developed to predict the effect of missense changes on protein structure and function output the following: SIFT: "Not Available"; PolyPhen-2: "Benign"; Align-GVGD: "Not Available". The aspartic acid amino acid residue is found in multiple mammalian species, which suggests that this missense change does not adversely affect protein function. In summary, the available evidence is currently insufficient to determine the role of this variant in disease. Therefore, it has been classified as a Variant of Uncertain Significance. This variant has not been reported in the literature in individuals affected with FLNC-related conditions. This variant is not present in population databases (gnomAD no frequency). This sequence change replaces glutamic acid, which is acidic and polar, with aspartic acid, which is acidic and polar, at codon 1332 of the FLNC protein (p.Glu1332Asp).